The following is an entry in ClinVar:

NM_018669.6(WDR4):c.1054G>T (p.Gly352Cys)

Gene: WDR4 (WDR4 tRNA N7-guanosine methyltransferase non-catalytic subunit; minus strand). Cytogenetic location: 21q22.3.
Variant type: single nucleotide variant.
Coding change: c.1054G>T on transcript NM_018669.6 (MANE Select); coding-DNA position 1054, G replaced by T.
Protein change: p.Gly352Cys; replaces glycine 352 with cysteine.
Molecular consequence: missense variant. On other transcripts: non-coding transcript variant (1).
Genome position (GRCh38, 1-based): chr21:42,850,234, C>A on the plus strand (G>T on the coding strand, the complement: WDR4 is on the minus strand). VCF-style: chr21-42850234-C-A. GRCh37 (hg19) VCF-style: chr21-44270344-C-A.
Other names: c.1051G>T, p.Gly351Cys (NM_001260474.2); c.616G>T, p.Gly206Cys (NM_001260475.2, NM_001260476.2, NM_001260477.2 and 1 more transcripts); c.1054G>T, p.Gly352Cys (NM_033661.5); short protein forms G351C, G352C, G206C.
Identifiers: ClinVar variation 2005789 (VCV002005789.4), dbSNP rs774444155, ClinGen allele CA410386831.

ClinVar aggregate classification (germline): Uncertain significance (1 of 4 stars; one submission).

Submission:

Labcorp Genetics (formerly Invitae), Labcorp
Classification: Uncertain significance. Last evaluated: 2022-06-13. Review status: criteria provided, single submitter. Criteria: Invitae Variant Classification Sherloc (09022015). Collection method: clinical testing. Allele origin: germline.
Comment: In summary, the available evidence is currently insufficient to determine the role of this variant in disease. Therefore, it has been classified as a Variant of Uncertain Significance. Algorithms developed to predict the effect of missense changes on protein structure and function are either unavailable or do not agree on the potential impact of this missense change (SIFT: "Deleterious"; PolyPhen-2: "Benign"; Align-GVGD: "Class C0"). This variant has not been reported in the literature in individuals affected with WDR4-related conditions. This variant is not present in population databases (gnomAD no frequency). This sequence change replaces glycine, which is neutral and non-polar, with cysteine, which is neutral and slightly polar, at codon 352 of the WDR4 protein (p.Gly352Cys).